The following is an entry in ClinVar:

NM_022124.6(CDH23):c.5563C>T (p.Pro1855Ser)

Gene: CDH23 (cadherin related 23; plus strand). Cytogenetic location: 10q22.1.
Variant type: single nucleotide variant.
Coding change: c.5563C>T on transcript NM_022124.6 (MANE Select); coding-DNA position 5563, C replaced by T.
Protein change: p.Pro1855Ser; replaces proline 1855 with serine.
Molecular consequence: missense variant.
Genome position (GRCh38, 1-based): chr10:71,784,951, C>T. VCF-style: chr10-71784951-C-T. GRCh37 (hg19) VCF-style: chr10-73544708-C-T.
Other names: c.5563C>T (NM_022124.5); short protein forms P1855S.
Identifiers: ClinVar variation 2503823 (VCV002503823.1), dbSNP rs538032577, ClinGen allele CA209457485.
Genomic context (GRCh38, chr10:71,784,951, plus strand): 5'-ATGCTGGTGGGGATCCGGGTGCTGGACATCAACGACAACGACCCTGTGCTGCTGAACCTG[C>T]CCATGAACATCACCATCAGCGAGAACAGCCCTGTCTCCAGCTTTGTCGCCCATGTCCTGG-3'
Protein context (NP_071407.4, residues 1845-1865): NDNDPVLLNL[Pro1855Ser]MNITISENSP

ClinVar aggregate classification (germline): Uncertain significance (1 of 4 stars; one submission).

Allele frequency attached by ClinVar (database versions not stated): gnomAD 0.00001.
gnomAD v4.1: 8 of 1,613,896 alleles (0.0005%); highest among the groups gnomAD compares: South Asian, 0.0011%; no homozygotes.

Submission:

Women's Health and Genetics/Laboratory Corporation of America, LabCorp
Classification: Uncertain significance. Last evaluated: 2023-04-25. Review status: criteria provided, single submitter. Criteria: LabCorp Variant Classification Summary - May 2015. Collection method: clinical testing. Allele origin: germline.
Comment: Variant summary: CDH23 c.5563C>T (p.Pro1855Ser) results in a non-conservative amino acid change in the encoded protein sequence. Four of five in-silico tools predict a damaging effect of the variant on protein function. The variant allele was found at a frequency of 4e-06 in 249440 control chromosomes (gnomAD). The available data on variant occurrences in the general population are insufficient to allow any conclusion about variant significance. c.5563C>T has been reported in the literature in the heterozygous state in an individual affected with Usher Syndrome (Haer-Wigman_2017). This report does not provide unequivocal conclusions about association of the variant with Usher Syndrome. To our knowledge, no experimental evidence demonstrating an impact on protein function has been reported. The following publication has been ascertained in the context of this evaluation (PMID: 28224992). No clinical diagnostic laboratories have submitted clinical-significance assessments for this variant to ClinVar after 2014. Based on the evidence outlined above, the variant was classified as uncertain significance.

Literature cited by the submitters: PubMed 28224992.